The following is an entry in ClinVar:

ClinVar aggregate classification (germline): Likely benign (1 of 4 stars; one submission).

Allele frequency attached by ClinVar (database versions not stated): gnomAD exomes below 0.00001; TOPMed below 0.00001.

Submission:

GeneDx
Classification: Likely benign. Last evaluated: 2016-10-12. Review status: criteria provided, single submitter. Criteria: GeneDx Variant Classification (06012015). Collection method: clinical testing. Allele origin: germline. Affected: yes.
Comment: This variant is considered likely benign or benign based on one or more of the following criteria: it is a conservative change, it occurs at a poorly conserved position in the protein, it is predicted to be benign by multiple in silico algorithms, and/or has population frequency not consistent with disease.

NM_022132.5(MCCC2):c.1215T>G (p.Thr405=)

Gene: MCCC2 (methylcrotonyl-CoA carboxylase subunit 2; plus strand). Cytogenetic location: 5q13.2.
Variant type: single nucleotide variant.
Coding change: c.1215T>G on transcript NM_022132.5 (MANE Select); coding-DNA position 1215, T replaced by G.
Protein change: p.Thr405=; no amino-acid change (threonine 405 retained).
Molecular consequence: synonymous variant.
Genome position (GRCh38, 1-based): chr5:71,646,276, T>G. VCF-style: chr5-71646276-T-G. GRCh37 (hg19) VCF-style: chr5-70942103-T-G.
Other names: c.1101T>G, p.Thr367= (NM_001363147.1).
Identifiers: ClinVar variation 389621 (VCV000389621.1), dbSNP rs1057523489, ClinGen allele CA16604980.
Genomic context (GRCh38, chr5:71,646,276, plus strand): 5'-TCACTTTGTCCAGTTATGCTGCCAAAGAAATATTCCTCTGCTGTTCCTTCAAAACATTAC[T>G]GGTAAGAAAATAGCTTAATCAGTTTGGTTGTATTGATTCCAGAGCTGTACCATCAGTGTG-3'
Protein context (NP_071415.1, residues 395-415): NIPLLFLQNI[Thr405=]GFMVGREYEA